The following is an entry in ClinVar:

NM_000334.4(SCN4A):c.2599_2616dup (p.864_866AGE[5])

Genes: GH-LCR (growth hormone locus control region; plus strand), SCN4A (sodium voltage-gated channel alpha subunit 4; minus strand). Cytogenetic location: 17q23.3.
Variant type: Duplication.
Coding change: c.2599_2616dup on transcript NM_000334.4 (MANE Select); coding-DNA positions 2599 to 2616, 18 bases duplicated (GCTGGAGAGGCGGGGGAG).
Protein change: p.864_866AGE[5].
Molecular consequence: inframe insertion.
Genome position (GRCh38, 1-based): chr17:63,951,661-63,951,678, CTCCCCCGCCTCTCCAGC duplicated on the plus strand (GCTGGAGAGGCGGGGGAG on the coding strand, the reverse complement: SCN4A is on the minus strand); duplicating any 18 consecutive bases within chr17:63,951,661-63,951,684 gives the same sequence; the c. name uses the placement nearest the transcript's 3' end. VCF-style (leftmost placement, unchanged base first): chr17-63951660-T-TCTCCCCCGCCTCTCCAGC. GRCh37 (hg19) VCF-style: chr17-62029020-T-TCTCCCCCGCCTCTCCAGC.
Identifiers: ClinVar variation 846998 (VCV000846998.14), dbSNP rs768289095, ClinGen allele CA8709545.

ClinVar aggregate classification (germline): Uncertain significance. Review status: criteria provided, multiple submitters, no conflicts (2 of 4 stars). 3 submissions from 3 submitters: Uncertain significance (3). Last evaluated 2024-11-30.

Conditions:
Hyperkalemic periodic paralysis. Also called: Familial hyperkalemic periodic paralysis; Gamstorp disease. Identifiers: Orphanet 682, MedGen C0238357, MONDO:0008224, OMIM 170500, HP:0007215.
Congenital myopathy 22A, classic (CMYO22A). Identifiers: MedGen C5830453, MONDO:0957247, OMIM 620351.
Congenital myopathy 22B, severe fetal (CMYO22B). Identifiers: MedGen C5830501, MONDO:0957265, OMIM 620369.
Paramyotonia congenita of Von Eulenburg. Also called: Eulenburg disease; Myotonia congenita intermittens; Von Eulenburg paramyotonia congenita; Paramyotonia Congenita; PARALYSIS PERIODICA PARAMYOTONICA. Identifiers: Orphanet 684, MedGen C0221055, MONDO:0008195, OMIM 168300. Disease mechanism: loss of function.
Hypokalemic periodic paralysis, type 2 (HOKPP2). Identifiers: Orphanet 681, MedGen C2750061, MONDO:0013234, OMIM 613345.
Potassium-aggravated myotonia. Also called: MYOTONIA CONGENITA, ACETAZOLAMIDE-RESPONSIVE; MYOTONIA CONGENITA, ATYPICAL; SODIUM CHANNEL MUSCLE DISEASE; Myotonia congenita, atypical, acetazolamide-responsive. Identifiers: Orphanet 612, Orphanet 99734, Orphanet 99735, Orphanet 99736, MedGen C2931826, MONDO:0018959, OMIM 608390.
Congenital myasthenic syndrome 16. Identifiers: Orphanet 590, MedGen C3280112, MONDO:0013620, OMIM 614198.

Submissions (3):

Labcorp Genetics (formerly Invitae), Labcorp
Classification: Uncertain significance for Hyperkalemic periodic paralysis. Last evaluated: 2024-11-30. Review status: criteria provided, single submitter. Criteria: Invitae Variant Classification Sherloc (09022015). Collection method: clinical testing. Allele origin: germline.
Comment: This variant, c.2599_2616dup, results in the insertion of 6 amino acid(s) of the SCN4A protein (p.Ala867_Glu872dup), but otherwise preserves the integrity of the reading frame. This variant is present in population databases (rs768289095, gnomAD 0.004%). This variant has not been reported in the literature in individuals affected with SCN4A-related conditions. ClinVar contains an entry for this variant (Variation ID: 846998). Experimental studies and prediction algorithms are not available or were not evaluated, and the functional significance of this variant is currently unknown. In summary, the available evidence is currently insufficient to determine the role of this variant in disease. Therefore, it has been classified as a Variant of Uncertain Significance.

Fulgent Genetics
Classification: Uncertain significance for Paramyotonia congenita of Von Eulenburg; Hyperkalemic periodic paralysis; Potassium-aggravated myotonia; Hypokalemic periodic paralysis, type 2; Congenital myasthenic syndrome 16; Congenital myopathy 22A, classic; Congenital myopathy 22B, severe fetal. Last evaluated: 2024-05-20. Review status: criteria provided, single submitter. Criteria: ACMG Guidelines, 2015. Collection method: clinical testing. Allele origin: germline.

Revvity Omics, Revvity
Classification: Uncertain significance. Last evaluated: 2019-07-16. Review status: criteria provided, single submitter. Criteria: ACMG Guidelines, 2015. Collection method: clinical testing. Allele origin: germline.